The following is an entry in ClinVar:

NM_006230.4(POLD2):c.992C>T (p.Pro331Leu)

Gene: POLD2 (DNA polymerase delta 2, accessory subunit; minus strand). Cytogenetic location: 7p13.
Variant type: single nucleotide variant.
Coding change: c.992C>T on transcript NM_006230.4 (MANE Select); coding-DNA position 992, C replaced by T.
Protein change: p.Pro331Leu; replaces proline 331 with leucine.
Molecular consequence: missense variant.
Genome position (GRCh38, 1-based): chr7:44,116,142, G>A on the plus strand (C>T on the coding strand, the complement: POLD2 is on the minus strand). VCF-style: chr7-44116142-G-A. GRCh37 (hg19) VCF-style: chr7-44155741-G-A.
Other names: c.992C>T, p.Pro331Leu (NM_001127218.3, NM_001256879.2); short protein forms P331L.
Identifiers: ClinVar variation 2831646 (VCV002831646.3), dbSNP rs764133963, ClinGen allele CA4238667.

ClinVar aggregate classification (germline): Uncertain significance (1 of 4 stars; one submission).

Allele frequency attached by ClinVar (database versions not stated): ExAC 0.00001; TOPMed 0.00001.

Submission:

Labcorp Genetics (formerly Invitae), Labcorp
Classification: Uncertain significance. Last evaluated: 2025-12-15. Review status: criteria provided, single submitter. Criteria: Invitae Variant Classification Sherloc (09022015). Collection method: clinical testing. Allele origin: germline.
Comment: This sequence change replaces proline, which is neutral and non-polar, with leucine, which is neutral and non-polar, at codon 366 of the POLD2 protein (p.Pro366Leu). This variant is not present in population databases (gnomAD no frequency). This variant has not been reported in the literature in individuals affected with POLD2-related conditions. ClinVar contains an entry for this variant (Variation ID: 2831646). Experimental studies and prediction algorithms are not available or were not evaluated, and the functional significance of this variant is currently unknown. In summary, the available evidence is currently insufficient to determine the role of this variant in disease. Therefore, it has been classified as a Variant of Uncertain Significance.